The following is an entry in ClinVar:

ClinVar aggregate classification (germline): Uncertain significance (1 of 4 stars; one submission).

Allele frequency attached by ClinVar (database versions not stated): TOPMed below 0.00001.

Submission:

Labcorp Genetics (formerly Invitae), Labcorp
Classification: Uncertain significance. Last evaluated: 2022-04-06. Review status: criteria provided, single submitter. Criteria: Invitae Variant Classification Sherloc (09022015). Collection method: clinical testing. Allele origin: germline.
Comment: In summary, the available evidence is currently insufficient to determine the role of this variant in disease. Therefore, it has been classified as a Variant of Uncertain Significance. Algorithms developed to predict the effect of sequence changes on RNA splicing suggest that this variant may disrupt the consensus splice site. This variant has not been reported in the literature in individuals affected with CNNM4-related conditions. This variant is not present in population databases (gnomAD no frequency). This sequence change affects codon 513 of the CNNM4 mRNA. It is a 'silent' change, meaning that it does not change the encoded amino acid sequence of the CNNM4 protein.

NM_020184.4(CNNM4):c.1539C>T (p.Asp513=)

Gene: CNNM4 (cyclin and CBS domain divalent metal cation transport mediator 4; plus strand). Cytogenetic location: 2q11.2.
Variant type: single nucleotide variant.
Coding change: c.1539C>T on transcript NM_020184.4 (MANE Select); coding-DNA position 1539, C replaced by T.
Protein change: p.Asp513=; no amino-acid change (aspartic acid 513 retained).
Molecular consequence: synonymous variant.
Genome position (GRCh38, 1-based): chr2:96,797,148, C>T. VCF-style: chr2-96797148-C-T. GRCh37 (hg19) VCF-style: chr2-97462885-C-T.
Identifiers: ClinVar variation 2121966 (VCV002121966.4), dbSNP rs2079111291, ClinGen allele CA427517679.